The following is an entry in ClinVar:

NM_003114.5(SPAG1):c.1096+75C>T

Gene: SPAG1 (sperm associated antigen 1; plus strand). Cytogenetic location: 8q22.2.
Variant type: single nucleotide variant.
Coding change: c.1096+75C>T on transcript NM_003114.5 (MANE Select); 75 bases into the intron after coding-DNA position 1096, C replaced by T.
Molecular consequence: intron variant.
Genome position (GRCh38, 1-based): chr8:100,194,343, C>T. VCF-style: chr8-100194343-C-T. GRCh37 (hg19) VCF-style: chr8-101206571-C-T.
Other names: c.1096+75C>T (NM_001374321.1, NM_172218.3).
Identifiers: ClinVar variation 1706744 (VCV001706744.2), dbSNP rs115419728, ClinGen allele CA4827448.
Genomic context (GRCh38, chr8:100,194,343, plus strand): 5'-CTATTTAGGTTATGTAAAAAGCTGCCTTTTAATATGATGAGCTGGCTCAATTTTTCTATT[C>T]GTACAGAAATTCGTAATCTATCAGTTTTTCTAGCTTTGCCTTGTAAATTCACAAGCCAGT-3'

ClinVar aggregate classification (germline): Likely benign (1 of 4 stars; one submission).

Allele frequency attached by ClinVar (database versions not stated): gnomAD exomes 0.00073; ExAC 0.00441; gnomAD 0.00677; TOPMed 0.00793; 1000 Genomes Project 0.00938; 1000 Genomes Project 30x 0.00953.
gnomAD v4.1: 2,081 of 1,551,332 alleles (0.13%); highest among the groups gnomAD compares: African/African-American, 2.4%; 26 homozygotes.

Submission:

GeneDx
Classification: Likely benign. Last evaluated: 2019-05-24. Review status: criteria provided, single submitter. Criteria: GeneDx Variant Classification Process June 2021. Collection method: clinical testing. Allele origin: germline. Affected: yes.
Comment: See Variant Classification Assertion Criteria.